The following is an entry in ClinVar:

ClinVar aggregate classification (germline): Uncertain significance (1 of 4 stars; one submission).

Conditions:
Neuroblastoma, susceptibility to, 3. Also called: ALK-Related Neuroblastic Tumor Susceptibility. Identifiers: Orphanet 635, MedGen C2751681, MONDO:0013083, OMIM 613014.

Submission:

Labcorp Genetics (formerly Invitae), Labcorp
Classification: Uncertain significance for Neuroblastoma, susceptibility to, 3. Last evaluated: 2021-10-31. Review status: criteria provided, single submitter. Criteria: Invitae Variant Classification Sherloc (09022015). Collection method: clinical testing. Allele origin: germline.
Comment: In summary, the available evidence is currently insufficient to determine the role of this variant in disease. Therefore, it has been classified as a Variant of Uncertain Significance. Algorithms developed to predict the effect of missense changes on protein structure and function (SIFT, PolyPhen-2, Align-GVGD) all suggest that this variant is likely to be disruptive. This variant has not been reported in the literature in individuals affected with ALK-related conditions. This variant is not present in population databases (gnomAD no frequency). This sequence change replaces arginine, which is basic and polar, with serine, which is neutral and polar, at codon 1264 of the ALK protein (p.Arg1264Ser).

NM_004304.5(ALK):c.3792A>C (p.Arg1264Ser)

Gene: ALK (ALK receptor tyrosine kinase; minus strand). Cytogenetic location: 2p23.2.
Variant type: single nucleotide variant.
Coding change: c.3792A>C on transcript NM_004304.5 (MANE Select); coding-DNA position 3792, A replaced by C.
Protein change: p.Arg1264Ser; replaces arginine 1264 with serine.
Molecular consequence: missense variant.
Genome position (GRCh38, 1-based): chr2:29,209,830, T>G on the plus strand (A>C on the coding strand, the complement: ALK is on the minus strand). VCF-style: chr2-29209830-T-G. GRCh37 (hg19) VCF-style: chr2-29432696-T-G.
Other names: c.588A>C, p.Arg196Ser (NM_001353765.2); short protein forms R1264S, R196S.
Identifiers: ClinVar variation 1490783 (VCV001490783.6), dbSNP rs2148155204, ClinGen allele CA346469688.